The following is an entry in ClinVar:

ClinVar aggregate classification (germline): Pathogenic. Review status: criteria provided, multiple submitters, no conflicts (2 of 4 stars). 6 submissions from 6 submitters: Pathogenic (2). 4 of the submissions do not count toward it. Last evaluated 2023-10-20.

Conditions:
ABCA4-related disorder. Also called: ABCA4-related disorders; ABCA4-related condition. Identifiers: MedGen CN239167.

gnomAD v4.1: 2 of 1,576,326 alleles (0.00013%); highest among the groups gnomAD compares: Non-Finnish European, 0.00017%; no homozygotes.

Submissions (6):

Labcorp Genetics (formerly Invitae), Labcorp
Classification: Pathogenic. Last evaluated: 2023-10-20. Review status: criteria provided, single submitter. Criteria: Invitae Variant Classification Sherloc (09022015). Collection method: clinical testing. Allele origin: germline.
Comment: This sequence change creates a premature translational stop signal (p.Cys1502*) in the ABCA4 gene. It is expected to result in an absent or disrupted protein product. Loss-of-function variants in ABCA4 are known to be pathogenic (PMID: 10958761, 24938718, 25312043, 26780318). This variant is present in population databases (rs61750149, gnomAD 0.001%). This premature translational stop signal has been observed in individual(s) with Stargardt disease (PMID: 14517951). ClinVar contains an entry for this variant (Variation ID: 99289). For these reasons, this variant has been classified as Pathogenic.

Blueprint Genetics
Classification: Pathogenic for ABCA4-related disorders. Last evaluated: 2020-01-27. Review status: criteria provided, single submitter. Criteria: ACMG Guidelines, 2015. Collection method: clinical testing. Allele origin: germline. Affected: yes. Observed: 1 variant allele.

Clinical Genetics DNA and cytogenetics Diagnostics Lab, Erasmus MC, Erasmus Medical Center
Classification: Pathogenic. Review status: no assertion criteria provided. Collection method: clinical testing. Allele origin: germline. Affected: yes. Study: VKGL Data-share Consensus. Not counted in ClinVar's aggregate classification.

Clinical Genetics, Academic Medical Center
Classification: Pathogenic. Review status: no assertion criteria provided. Collection method: clinical testing. Allele origin: germline. Affected: yes. Study: VKGL Data-share Consensus. Not counted in ClinVar's aggregate classification.

Joint Genome Diagnostic Labs from Nijmegen and Maastricht, Radboudumc and MUMC+
Classification: Pathogenic. Review status: no assertion criteria provided. Collection method: clinical testing. Allele origin: germline. Affected: yes. Study: VKGL Data-share Consensus. Not counted in ClinVar's aggregate classification.

Retina International
No classification provided. Review status: no classification provided. Collection method: not provided. Allele origin: not provided. Not counted in ClinVar's aggregate classification.

Literature cited by the submitters: PubMed 10958761 (cited by Labcorp Genetics (formerly Invitae), Labcorp); PubMed 24938718 (cited by Labcorp Genetics (formerly Invitae), Labcorp); PubMed 25312043 (cited by Labcorp Genetics (formerly Invitae), Labcorp); PubMed 26780318 (cited by Labcorp Genetics (formerly Invitae), Labcorp); PubMed 14517951 (cited by Labcorp Genetics (formerly Invitae), Labcorp).

NM_000350.3(ABCA4):c.4506C>A (p.Cys1502Ter)

Gene: ABCA4 (ATP binding cassette subfamily A member 4; minus strand). Cytogenetic location: 1p22.1.
Variant type: single nucleotide variant.
Coding change: c.4506C>A on transcript NM_000350.3 (MANE Select); coding-DNA position 4506, C replaced by A.
Protein change: p.Cys1502Ter; replaces cysteine 1502 with a stop codon.
Molecular consequence: nonsense.
Genome position (GRCh38, 1-based): chr1:94,029,478, G>T on the plus strand (C>A on the coding strand, the complement: ABCA4 is on the minus strand). VCF-style: chr1-94029478-G-T. GRCh37 (hg19) VCF-style: chr1-94495034-G-T.
Other names: c.4284C>A, p.Cys1428Ter (NM_001425324.1); short protein forms C1502*, C1428*.
Identifiers: ClinVar variation 99289 (VCV000099289.12), dbSNP rs61750149, ClinGen allele CA227199.